The following is an entry in ClinVar:

ClinVar aggregate classification (germline): Likely pathogenic (1 of 4 stars; one submission).

Conditions:
Ehlers-Danlos syndrome, type 4 (EDSVASC). Also called: Ehlers-Danlos syndrome vascular type; Ehlers Danlos syndrome, ecchymotic type; Ehlers Danlos syndrome, arterial type; Ehlers Danlos syndrome, Sack-Barabas type; Ehlers-Danlos Syndrome Type IV. Identifiers: Orphanet 286, MedGen C0268338, MONDO:0017314, OMIM 130050.

Submission:

Labcorp Genetics (formerly Invitae), Labcorp
Classification: Likely pathogenic for Ehlers-Danlos syndrome, type 4. Last evaluated: 2024-12-16. Review status: criteria provided, single submitter. Criteria: Invitae Variant Classification Sherloc (09022015). Collection method: clinical testing. Allele origin: germline.
Comment: This sequence change affects a donor splice site in intron 39 of the COL3A1 gene. It is expected to disrupt RNA splicing. Variants that disrupt the donor or acceptor splice site typically lead to a loss of protein function (PMID: 16199547), and loss-of-function variants in COL3A1 are known to be pathogenic (PMID: 24922459). This variant is not present in population databases (gnomAD no frequency). Disruption of this splice site has been observed in individual(s) with clinical features of Ehlers-Danlos syndrome, vascular type (PMID: 21637106; internal data). ClinVar contains an entry for this variant (Variation ID: 950282). Algorithms developed to predict the effect of sequence changes on RNA splicing suggest that this variant may disrupt the consensus splice site. In summary, the currently available evidence indicates that the variant is pathogenic, but additional data are needed to prove that conclusively. Therefore, this variant has been classified as Likely Pathogenic.

Literature cited by the submitters: PubMed 16199547; PubMed 24922459; PubMed 21637106.

NM_000090.4(COL3A1):c.2823+1G>T

Gene: COL3A1 (collagen type III alpha 1 chain; plus strand). Cytogenetic location: 2q32.2.
Variant type: single nucleotide variant.
Coding change: c.2823+1G>T on transcript NM_000090.4 (MANE Select); the canonical splice donor site of the intron after coding-DNA position 2823, G replaced by T.
Molecular consequence: splice donor variant.
Genome position (GRCh38, 1-based): chr2:189,004,144, G>T. VCF-style: chr2-189004144-G-T. GRCh37 (hg19) VCF-style: chr2-189868870-G-T.
Identifiers: ClinVar variation 950282 (VCV000950282.10), dbSNP rs587779424, ClinGen allele CA349844340.